The following is an entry in ClinVar:

NM_015331.3(NCSTN):c.983T>C (p.Val328Ala)

Gene: NCSTN (nicastrin; plus strand). Cytogenetic location: 1q23.2.
Variant type: single nucleotide variant.
Coding change: c.983T>C on transcript NM_015331.3 (MANE Select); coding-DNA position 983, T replaced by C.
Protein change: p.Val328Ala; replaces valine 328 with alanine.
Molecular consequence: missense variant. On other transcripts: intron variant (1).
Genome position (GRCh38, 1-based): chr1:160,352,193, T>C. VCF-style: chr1-160352193-T-C. GRCh37 (hg19) VCF-style: chr1-160321983-T-C.
Other names: c.923T>C, p.Val308Ala (NM_001290184.2); c.983T>C, p.Val328Ala (NM_001349729.2); c.583-694T>C (NM_001290186.2); short protein forms V308A, V328A.
Identifiers: ClinVar variation 4808734 (VCV004808734.1).

ClinVar aggregate classification (germline): Uncertain significance (1 of 4 stars; one submission).

gnomAD v4.1: 6 of 1,613,978 alleles (0.00037%); highest among the groups gnomAD compares: Non-Finnish European, 0.00051%; no homozygotes.

Submission:

Labcorp Genetics (formerly Invitae), Labcorp
Classification: Uncertain significance. Last evaluated: 2025-12-27. Review status: criteria provided, single submitter. Criteria: Invitae Variant Classification Sherloc (09022015). Collection method: clinical testing. Allele origin: germline.
Comment: This sequence change replaces valine, which is neutral and non-polar, with alanine, which is neutral and non-polar, at codon 328 of the NCSTN protein (p.Val328Ala). This variant is not present in population databases (gnomAD no frequency). This variant has not been reported in the literature in individuals affected with NCSTN-related conditions. Invitae Evidence Modeling of protein sequence and biophysical properties (such as structural, functional, and spatial information, amino acid conservation, physicochemical variation, residue mobility, and thermodynamic stability) indicates that this missense variant is not expected to disrupt NCSTN protein function with a negative predictive value of 80%. In summary, the available evidence is currently insufficient to determine the role of this variant in disease. Therefore, it has been classified as a Variant of Uncertain Significance.